The following is an entry in ClinVar:

ClinVar aggregate classification (germline): Uncertain significance (0 of 4 stars; one submission).

Conditions:
PRICKLE2-related disorder. Also called: PRICKLE2-related condition.

Submission:

PreventionGenetics, part of Exact Sciences
Classification: Uncertain significance for PRICKLE2-related condition. Last evaluated: 2023-10-26. Review status: no assertion criteria provided. Collection method: clinical testing. Allele origin: germline.
Comment: The PRICKLE2 c.2204G>C variant is predicted to result in the amino acid substitution p.Ser735Thr. To our knowledge, this variant has not been reported in the literature or in a large population database, indicating this variant is rare. At this time, the clinical significance of this variant is uncertain due to the absence of conclusive functional and genetic evidence.

NM_198859.4(PRICKLE2):c.2204G>C (p.Ser735Thr)

Genes: PRICKLE2 (prickle planar cell polarity protein 2; minus strand), PRICKLE2-AS1 (PRICKLE2 antisense RNA 1; plus strand). Cytogenetic location: 3p14.1.
Variant type: single nucleotide variant.
Coding change: c.2204G>C on transcript NM_198859.4 (MANE Select); coding-DNA position 2204, G replaced by C.
Protein change: p.Ser735Thr; replaces serine 735 with threonine.
Molecular consequence: missense variant. On other transcripts: non-coding transcript variant (1).
Genome position (GRCh38, 1-based): chr3:64,099,382, C>G on the plus strand (G>C on the coding strand, the complement: PRICKLE2 is on the minus strand). VCF-style: chr3-64099382-C-G. GRCh37 (hg19) VCF-style: chr3-64085058-C-G.
Other names: c.2204G>C, p.Ser735Thr (NM_001370528.1); short protein forms S735T.
Identifiers: ClinVar variation 3040573 (VCV003040573.2), dbSNP rs2471101105, ClinGen allele CA353426555.
Genomic context (GRCh38, chr3:64,099,382, plus strand): 5'-AGGTCCGACACAGTCCTAGGGCACTGGCCGTACAGGTCCCTCCGGGACCCATGCCCCATG[C>G]TCTCCTGGAAGCTCCGCTGGCGCATAAATTGGTCATAGTCCTCCCTGGCTCTCAGAGGGG-3'
Protein context (NP_942559.1, residues 725-745): QFMRQRSFQE[Ser735Thr]MGHGSRRDLY